The following is an entry in ClinVar:

NM_001267550.2(TTN):c.19263C>T (p.Asp6421=)

Gene: TTN (titin; minus strand). Cytogenetic location: 2q31.2.
Variant type: single nucleotide variant.
Coding change: c.19263C>T on transcript NM_001267550.2 (MANE Select); coding-DNA position 19263, C replaced by T.
Protein change: p.Asp6421=; no amino-acid change (aspartic acid 6421 retained).
Molecular consequence: synonymous variant. On other transcripts: intron variant (3).
Genome position (GRCh38, 1-based): chr2:178,728,663, G>A on the plus strand (C>T on the coding strand, the complement: TTN is on the minus strand). VCF-style: chr2-178728663-G-A. GRCh37 (hg19) VCF-style: chr2-179593390-G-A.
Other names: c.18312C>T, p.Asp6104= (NM_001256850.1); c.13282+9419C>T (NM_003319.4); c.13858+9419C>T (NM_133437.4); c.13657+9419C>T (NM_133432.3); c.15531C>T, p.Asp5177= (NM_133378.4).
Identifiers: ClinVar variation 466866 (VCV000466866.22), dbSNP rs552531581, ClinGen allele CA2001436.

ClinVar aggregate classification (germline): Conflicting classifications of pathogenicity. Review status: criteria provided, conflicting classifications (1 of 4 stars). 5 submissions from 5 submitters: Uncertain significance (1); Likely benign (4). Last evaluated 2026-01-28.

Conditions:
Autosomal recessive limb-girdle muscular dystrophy type 2J (LGMDR10). Also called: Limb-girdle muscular dystrophy, type 2J; MUSCULAR DYSTROPHY, LIMB-GIRDLE, AUTOSOMAL RECESSIVE 10. Identifiers: Orphanet 140922, MedGen C1837342, MONDO:0012127, OMIM 608807.
Dilated cardiomyopathy 1G (CMD1G). Identifiers: Orphanet 154, MedGen C1858763, MONDO:0011400, OMIM 604145.

Allele frequency attached by ClinVar (database versions not stated): gnomAD 0.00002 and 0.00003; TOPMed 0.00002; ExAC 0.00003; gnomAD exomes 0.00003 and 0.00007; 1000 Genomes Project 30x 0.00016; 1000 Genomes Project 0.00020.
gnomAD v4.1: 105 of 1,613,294 alleles (0.0065%); highest among the groups gnomAD compares: Middle Eastern, 0.033%; no homozygotes.

Submissions (5):

Labcorp Genetics (formerly Invitae), Labcorp
Classification: Likely benign for Dilated cardiomyopathy 1G; Autosomal recessive limb-girdle muscular dystrophy type 2J. Last evaluated: 2026-01-28. Review status: criteria provided, single submitter. Criteria: Invitae Variant Classification Sherloc (09022015). Collection method: clinical testing. Allele origin: germline.

Women's Health and Genetics/Laboratory Corporation of America, LabCorp
Classification: Likely benign. Last evaluated: 2025-07-03. Review status: criteria provided, single submitter. Criteria: LabCorp Variant Classification Summary - May 2015. Collection method: clinical testing. Allele origin: germline.

Revvity Omics, Revvity
Classification: Uncertain significance. Last evaluated: 2025-01-28. Review status: criteria provided, single submitter. Criteria: ACMG Guidelines, 2015. Collection method: clinical testing. Allele origin: germline.

GeneDx
Classification: Likely benign. Last evaluated: 2019-08-20. Review status: criteria provided, single submitter. Criteria: GeneDx Variant Classification Process June 2021. Collection method: clinical testing. Allele origin: germline. Affected: yes.

Laboratory for Molecular Medicine, Mass General Brigham Personalized Medicine
Classification: Likely benign. Last evaluated: 2017-03-30. Review status: criteria provided, single submitter. Criteria: LMM Criteria. Collection method: clinical testing. Allele origin: germline. Observed: 1 variant allele.
Comment: p.Asp5177Asp in exon 63 of TTN: This variant is not expected to have clinical si gnificance because it does not alter an amino acid residue and is not located wi thin the splice consensus sequence. It has been identified in 2/16406 South Asia n chromosomes by the Exome Aggregation Consortium (ExAC; dbSNP rs552531581).